The following is an entry in ClinVar:

NM_001371986.1(UNC80):c.8244A>G (p.Ala2748=)

Gene: UNC80 (unc-80 homolog, NALCN channel complex subunit; plus strand). Cytogenetic location: 2q34.
Variant type: single nucleotide variant.
Coding change: c.8244A>G on transcript NM_001371986.1 (MANE Select); coding-DNA position 8244, A replaced by G.
Protein change: p.Ala2748=; no amino-acid change (alanine 2748 retained).
Molecular consequence: synonymous variant.
Genome position (GRCh38, 1-based): chr2:209,970,945, A>G. VCF-style: chr2-209970945-A-G. GRCh37 (hg19) VCF-style: chr2-210835669-A-G.
Other names: c.8046A>G, p.Ala2682= (NM_032504.2); c.8031A>G, p.Ala2677= (NM_182587.4).
Identifiers: ClinVar variation 3030794 (VCV003030794.2), dbSNP rs2471224073, ClinGen allele CA430991239.

ClinVar aggregate classification (germline): Likely benign (0 of 4 stars; one submission).

Conditions:
UNC80-related disorder. Also called: UNC80-related condition.

Submission:

PreventionGenetics, part of Exact Sciences
Classification: Likely benign for UNC80-related condition. Last evaluated: 2023-10-10. Review status: no assertion criteria provided. Collection method: clinical testing. Allele origin: germline.
Comment: This variant is classified as likely benign based on ACMG/AMP sequence variant interpretation guidelines (Richards et al. 2015 PMID: 25741868, with internal and published modifications).